The following is an entry in ClinVar:

NM_004656.4(BAP1):c.1882T>C (p.Ser628Pro)

Gene: BAP1 (BRCA1 associated deubiquitinase 1; minus strand). Cytogenetic location: 3p21.1.
Variant type: single nucleotide variant.
Coding change: c.1882T>C on transcript NM_004656.4 (MANE Select); coding-DNA position 1882, T replaced by C.
Protein change: p.Ser628Pro; replaces serine 628 with proline.
Molecular consequence: missense variant.
Genome position (GRCh38, 1-based): chr3:52,403,146, A>G on the plus strand (T>C on the coding strand, the complement: BAP1 is on the minus strand). VCF-style: chr3-52403146-A-G. GRCh37 (hg19) VCF-style: chr3-52437162-A-G.
Other names: c.1828T>C, p.Ser610Pro (NM_001410772.1); short protein forms S610P, S628P.
Identifiers: ClinVar variation 3572239 (VCV003572239.1).

ClinVar aggregate classification (germline): Uncertain significance (1 of 4 stars; one submission).

Submission:

Quest Diagnostics Nichols Institute San Juan Capistrano
Classification: Uncertain significance. Last evaluated: 2024-08-01. Review status: criteria provided, single submitter. Criteria: Quest Diagnostics criteria. Collection method: clinical testing. Allele origin: unknown.
Comment: The BAP1 c.1882T>C (p.Ser628Pro) variant has not been reported in individuals with BAP1-related conditions in the published literature. It also has not been reported in large, multi-ethnic general populations (Genome Aggregation Database). Analysis of this variant using bioinformatics tools for the prediction of the effect of amino acid changes on protein structure and function yielded conflicting predictions that this variant is benign or damaging. Based on the available information, we are unable to determine the clinical significance of this variant.